The following is an entry in ClinVar:

ClinVar aggregate classification (germline): Uncertain significance. Review status: criteria provided, multiple submitters, no conflicts (2 of 4 stars). 2 submissions from 2 submitters: Uncertain significance (2). Last evaluated 2025-05-16.

Allele frequency attached by ClinVar (database versions not stated): gnomAD 0.00010; ExAC 0.00012; gnomAD exomes 0.00013; TOPMed 0.00013.
gnomAD v4.1: 203 of 1,613,860 alleles (0.013%); highest among the groups gnomAD compares: Non-Finnish European, 0.015%; no homozygotes.

Submissions (2):

Ambry Genetics
Classification: Uncertain significance. Last evaluated: 2025-05-16. Review status: criteria provided, single submitter. Criteria: Ambry Variant Classification Scheme 2023. Collection method: clinical testing. Allele origin: germline.

CeGaT Center for Human Genetics Tuebingen
Classification: Uncertain significance. Last evaluated: 2023-10-01. Review status: criteria provided, single submitter. Criteria: CeGaT Center For Human Genetics Tuebingen Variant Classification Criteria Version 2. Collection method: clinical testing. Allele origin: germline. Affected: yes. Observed: 2 variant alleles.
Comment: LTBP1: PM2, BP4

NM_206943.4(LTBP1):c.2896G>A (p.Val966Ile)

Gene: LTBP1 (latent transforming growth factor beta binding protein 1; plus strand). Cytogenetic location: 2p22.3.
Variant type: single nucleotide variant.
Coding change: c.2896G>A on transcript NM_206943.4 (MANE Select); coding-DNA position 2896, G replaced by A.
Protein change: p.Val966Ile; replaces valine 966 with isoleucine.
Molecular consequence: missense variant.
Genome position (GRCh38, 1-based): chr2:33,275,827, G>A. VCF-style: chr2-33275827-G-A. GRCh37 (hg19) VCF-style: chr2-33500894-G-A.
Other names: c.2896G>A (NM_206943.2); c.1792G>A, p.Val598Ile (NM_001394909.1, NM_001394917.1); c.1915G>A, p.Val639Ile (NM_001394910.1, NM_001394906.1, NM_001394919.1); c.1789G>A, p.Val597Ile (NM_001394911.1); c.1918G>A, p.Val640Ile (NM_001394912.1, NM_000627.4, NM_001166264.2 and 2 more transcripts); c.1756G>A, p.Val586Ile (NM_001394913.1, NM_001394921.1); c.1708G>A, p.Val570Ile (NM_001394914.1); c.1834G>A, p.Val612Ile (NM_001394915.1); and 5 more; short protein forms V545I, V559I, V570I, V586I, V587I, V597I, V598I, V611I.
Identifiers: ClinVar variation 2578851 (VCV002578851.25), dbSNP rs570103846, ClinGen allele CA1607559.
Genomic context (GRCh38, chr2:33,275,827, plus strand): 5'-CACAAAACTCAACAATGCTATCTGCTCTTCGTAGATGTTGACGAATGCCTGAGGCCGGAC[G>A]TCTGTGGGGAGGGGCACTGTGTCAATACTGTGGGGGCCTTCCGGTGTGAATACTGTGACA-3'
Protein context (NP_996826.3, residues 956-976): IDVDECLRPD[Val966Ile]CGEGHCVNTV